The following is an entry in ClinVar:

ClinVar aggregate classification (germline): Uncertain significance (1 of 4 stars; one submission).

Submission:

Labcorp Genetics (formerly Invitae), Labcorp
Classification: Uncertain significance. Last evaluated: 2023-10-22. Review status: criteria provided, single submitter. Criteria: Invitae Variant Classification Sherloc (09022015). Collection method: clinical testing. Allele origin: germline.
Comment: This sequence change falls in intron 2 of the GABRA2 gene. It does not directly change the encoded amino acid sequence of the GABRA2 protein. This variant is not present in population databases (gnomAD no frequency). This variant has not been reported in the literature in individuals affected with GABRA2-related conditions. Algorithms developed to predict the effect of sequence changes on RNA splicing suggest that this variant may create or strengthen a splice site. In summary, the available evidence is currently insufficient to determine the role of this variant in disease. Therefore, it has been classified as a Variant of Uncertain Significance.

NM_000807.4(GABRA2):c.72-13A>G

Gene: GABRA2 (gamma-aminobutyric acid type A receptor subunit alpha2; minus strand). Cytogenetic location: 4p12.
Variant type: single nucleotide variant.
Coding change: c.72-13A>G on transcript NM_000807.4 (MANE Select); 13 bases into the intron before coding-DNA position 72, A replaced by G.
Molecular consequence: intron variant.
Genome position (GRCh38, 1-based): chr4:46,386,202, T>C on the plus strand (A>G on the coding strand, the complement: GABRA2 is on the minus strand). VCF-style: chr4-46386202-T-C. GRCh37 (hg19) VCF-style: chr4-46388219-T-C.
Other names: c.-26-13A>G (NM_001377154.1, NM_001377152.1, NM_001286827.3 and 1 more transcripts); c.72-13A>G (NM_001377146.1, NM_001377145.1, NM_001377144.1 and 8 more transcripts).
Identifiers: ClinVar variation 2768103 (VCV002768103.3), dbSNP rs2476214719, ClinGen allele CA2697546692.
Genomic context (GRCh38, chr4:46,386,202, plus strand): 5'-GTAATGTTATTTTTAGCCTCATCTTCTTGGATGTTAGCCAGCACCAACCTAAACAGATAA[T>C]TTTAAAAGCTGATATATATACATATGTGTGTTTTGCAAATGCCAACATGCTTTTCTTCCT-3'